The following is an entry in ClinVar:

NM_130839.5(UBE3A):c.2281-15T>C

Genes: SNHG14 (small nucleolar RNA host gene 14; plus strand), UBE3A (ubiquitin protein ligase E3A; minus strand). Cytogenetic location: 15q11.2.
Variant type: single nucleotide variant.
Coding change: c.2281-15T>C on transcript NM_130839.5 (MANE Select); 15 bases into the intron before coding-DNA position 2281, T replaced by C.
Molecular consequence: intron variant.
Genome position (GRCh38, 1-based): chr15:25,354,441, A>G on the plus strand (T>C on the coding strand, the complement: UBE3A is on the minus strand). VCF-style: chr15-25354441-A-G. GRCh37 (hg19) VCF-style: chr15-25599588-A-G.
Other names: c.2104-15T>C (NM_001354546.2); c.970-15T>C (NM_001354551.2); c.2056-15T>C (NM_001354549.2); c.2065-15T>C (NM_001354548.2, NM_001354547.2); c.2221-15T>C (NM_130838.4, NM_001354542.2, NM_001354523.2 and 14 more transcripts); c.1030-15T>C (NM_001354550.2); c.2125-15T>C (NM_001354545.2); c.2281-15T>C (NM_001354538.2, NM_001354505.1); and 1 more.
Identifiers: ClinVar variation 379062 (VCV000379062.6), dbSNP rs767720713, ClinGen allele CA7435392.
Genomic context (GRCh38, chr15:25,354,441, plus strand): 5'-CACCGTCATATTCTGTAGTTTCTTCTAGTGCTTGGAAATCTAGATTCTGCAAATTCAAGA[A>G]AATATGTCTTAGTTATCTGCTATACTACTGTATCATTACAAACAATAAATCGATACATGA-3'

ClinVar aggregate classification (germline): Likely benign. Review status: criteria provided, multiple submitters, no conflicts (2 of 4 stars). 3 submissions from 3 submitters: Likely benign (3). Last evaluated 2026-01-13.

Conditions:
Angelman syndrome (AS). Also called: HAPPY PUPPET SYNDROME. Identifiers: Orphanet 72, MedGen C0162635, MONDO:0007113, OMIM 105830. Disease mechanism: loss of function. Inheritance: imprinting disorder, AS is caused by disruption of maternally imprinted UBE3A located within the 15q11.2-q13 Angelman syndrome/Prader-Willi syndrome (AS/PWS) region..

Allele frequency attached by ClinVar (database versions not stated): gnomAD below 0.00001 and 0.00002; TOPMed 0.00001; gnomAD exomes 0.00003 and 0.00007; ExAC 0.00005.
gnomAD v4.1: 48 of 1,613,358 alleles (0.003%); highest among the groups gnomAD compares: South Asian, 0.048%; 2 homozygotes.

Submissions (3):

Labcorp Genetics (formerly Invitae), Labcorp
Classification: Likely benign for Angelman syndrome. Last evaluated: 2026-01-13. Review status: criteria provided, single submitter. Criteria: Invitae Variant Classification Sherloc (09022015). Collection method: clinical testing. Allele origin: germline.

Blueprint Genetics
Classification: Likely benign. Last evaluated: 2023-01-20. Review status: criteria provided, single submitter. Criteria: ACMG Guidelines, 2015. Collection method: clinical testing. Allele origin: germline.

GeneDx
Classification: Likely benign. Last evaluated: 2016-10-25. Review status: criteria provided, single submitter. Criteria: GeneDx Variant Classification (06012015). Collection method: clinical testing. Allele origin: germline. Affected: yes.
Comment: This variant is considered likely benign or benign based on one or more of the following criteria: it is a conservative change, it occurs at a poorly conserved position in the protein, it is predicted to be benign by multiple in silico algorithms, and/or has population frequency not consistent with disease.